The following is an entry in ClinVar:

ClinVar aggregate classification (germline): Pathogenic. Review status: reviewed by expert panel (3 of 4 stars). 3 submissions from 3 submitters: Pathogenic (1). 2 of the submissions do not count toward it. Last evaluated 2017-12-15.

Conditions:
Hereditary cancer-predisposing syndrome. Also called: Tumor predisposition; Hereditary Cancer Syndrome; Hereditary neoplastic syndrome; Neoplastic Syndromes, Hereditary. Identifiers: Orphanet 140162, MedGen C0027672, MeSH D009386, MONDO:0015356.
Breast-ovarian cancer, familial, susceptibility to, 2 (BROVCA2). Also called: BRCA2 Hereditary Breast and Ovarian Cancer. Identifiers: Orphanet 145, MedGen C2675520, MONDO:0012933, OMIM 612555. Disease mechanism: loss of function.

Submissions (3):

Evidence-based Network for the Interpretation of Germline Mutant Alleles (ENIGMA)
Classification: Pathogenic for Breast-ovarian cancer, familial, susceptibility to, 2. Last evaluated: 2017-12-15. Review status: reviewed by expert panel. Criteria: ENIGMA BRCA1/2 Classification Criteria (2017-06-29). Collection method: curation. Allele origin: germline. Study: ENIGMA.
Comment: Variant allele predicted to encode a truncated non-functional protein.

Quest Diagnostics Nichols Institute San Juan Capistrano
Classification: Pathogenic. Last evaluated: 2024-09-28. Review status: criteria provided, single submitter. Criteria: Quest Diagnostics criteria. Collection method: clinical testing. Allele origin: unknown. Not counted in ClinVar's aggregate classification.
Comment: The BRCA2 c.6781G>T (p.Glu2261*) variant causes the premature termination of BRCA2 protein synthesis. This variant has been reported in the published literature in individuals with breast and/or ovarian cancer (PMID: 26022348 (2015), 36367610 (2023)) and prostate cancer (PMID: 36922933 (2022)). This variant has not been reported in large, multi-ethnic general populations (Genome Aggregation Database). Based on the available information, this variant is classified as pathogenic.

Ambry Genetics
Classification: Pathogenic for Hereditary cancer-predisposing syndrome. Last evaluated: 2024-08-07. Review status: criteria provided, single submitter. Criteria: Ambry Variant Classification Scheme 2023. Collection method: clinical testing. Allele origin: germline. Not counted in ClinVar's aggregate classification.
Comment: The p.E2261* pathogenic mutation (also known as c.6781G>T), located in coding exon 10 of the BRCA2 gene, results from a G to T substitution at nucleotide position 6781. This changes the amino acid from a glutamic acid to a stop codon within coding exon 10. This variant is considered to be rare based on population cohorts in the Genome Aggregation Database (gnomAD). This alteration is expected to result in loss of function by premature protein truncation or nonsense-mediated mRNA decay. As such, this alteration is interpreted as a disease-causing mutation.

Literature cited by the submitters: PubMed 26022348 (cited by Quest Diagnostics Nichols Institute San Juan Capistrano); PubMed 36367610 (cited by Quest Diagnostics Nichols Institute San Juan Capistrano); PubMed 36922933 (cited by Quest Diagnostics Nichols Institute San Juan Capistrano).

NM_000059.4(BRCA2):c.6781G>T (p.Glu2261Ter)

Gene: BRCA2 (BRCA2 DNA repair associated; plus strand). Cytogenetic location: 13q13.1.
Variant type: single nucleotide variant.
Coding change: c.6781G>T on transcript NM_000059.4 (MANE Select); coding-DNA position 6781, G replaced by T.
Protein change: p.Glu2261Ter; replaces glutamic acid 2261 with a stop codon.
Molecular consequence: nonsense.
Genome position (GRCh38, 1-based): chr13:32,341,136, G>T. VCF-style: chr13-32341136-G-T. GRCh37 (hg19) VCF-style: chr13-32915273-G-T.
Other names: short protein forms E2261*.
Identifiers: ClinVar variation 234042 (VCV000234042.9), dbSNP rs876660812, ClinGen allele CA10579711.